The following is an entry in ClinVar:

NM_014704.4(CEP104):c.2571+6G>A

Gene: CEP104 (centrosomal protein 104; minus strand). Cytogenetic location: 1p36.32.
Variant type: single nucleotide variant.
Coding change: c.2571+6G>A on transcript NM_014704.4 (MANE Select); 6 bases into the intron after coding-DNA position 2571, G replaced by A.
Molecular consequence: intron variant.
Genome position (GRCh38, 1-based): chr1:3,823,168, C>T on the plus strand (G>A on the coding strand, the complement: CEP104 is on the minus strand). VCF-style: chr1-3823168-C-T. GRCh37 (hg19) VCF-style: chr1-3739732-C-T.
Identifiers: ClinVar variation 952395 (VCV000952395.11), dbSNP rs373332298, ClinGen allele CA551246.

ClinVar aggregate classification (germline): Conflicting classifications of pathogenicity. Review status: criteria provided, conflicting classifications (1 of 4 stars). 4 submissions from 4 submitters: Uncertain significance (2); Likely benign (1). 1 of the submissions does not count toward it. Last evaluated 2024-05-08.

Conditions:
CEP104-related disorder. Also called: CEP104-related condition.
Joubert syndrome 25 (JBTS25). Identifiers: Orphanet 475, MedGen C4084842, MONDO:0014770, OMIM 616781.
Inborn genetic diseases. Identifiers: MedGen C0950123, MeSH D030342.

Allele frequency attached by ClinVar (database versions not stated): gnomAD 0.00015 and 0.00016; TOPMed 0.00017; ExAC 0.00020; gnomAD exomes 0.00027 and 0.00041; ESP Exome Variant Server 0.00038.
gnomAD v4.1: 615 of 1,613,900 alleles (0.038%); highest among the groups gnomAD compares: Non-Finnish European, 0.048%; no homozygotes.

Submissions (4):

Labcorp Genetics (formerly Invitae), Labcorp
Classification: Uncertain significance for Joubert syndrome 25. Last evaluated: 2024-05-08. Review status: criteria provided, single submitter. Criteria: Invitae Variant Classification Sherloc (09022015). Collection method: clinical testing. Allele origin: germline.
Comment: This sequence change falls in intron 20 of the CEP104 gene. It does not directly change the encoded amino acid sequence of the CEP104 protein. It affects a nucleotide within the consensus splice site. This variant is present in population databases (rs373332298, gnomAD 0.05%). This variant has not been reported in the literature in individuals affected with CEP104-related conditions. ClinVar contains an entry for this variant (Variation ID: 952395). Variants that disrupt the consensus splice site are a relatively common cause of aberrant splicing (PMID: 17576681, 9536098). Algorithms developed to predict the effect of sequence changes on RNA splicing suggest that this variant is not likely to affect RNA splicing. In summary, the available evidence is currently insufficient to determine the role of this variant in disease. Therefore, it has been classified as a Variant of Uncertain Significance.

Blueprint Genetics
Classification: Likely benign. Last evaluated: 2024-04-10. Review status: criteria provided, single submitter. Criteria: ACMG Guidelines, 2015. Collection method: clinical testing. Allele origin: germline.

Ambry Genetics
Classification: Uncertain significance for Inborn genetic diseases. Last evaluated: 2021-12-06. Review status: criteria provided, single submitter. Criteria: Ambry Variant Classification Scheme 2023. Collection method: clinical testing. Allele origin: germline.
Comment: The c.2571+6G>A intronic alteration consists of a G to A substitution 6 nucleotides after exon 20 (coding exon 19) of the CEP104 gene. Based on insufficient or conflicting evidence, the clinical significance of this alteration remains unclear.

PreventionGenetics, part of Exact Sciences
Classification: Likely benign for CEP104-related condition. Last evaluated: 2019-05-03. Review status: no assertion criteria provided. Collection method: clinical testing. Allele origin: germline. Not counted in ClinVar's aggregate classification.
Comment: This variant is classified as likely benign based on ACMG/AMP sequence variant interpretation guidelines (Richards et al. 2015 PMID: 25741868, with internal and published modifications).

Literature cited by the submitters: PubMed 17576681 (cited by Labcorp Genetics (formerly Invitae), Labcorp); PubMed 9536098 (cited by Labcorp Genetics (formerly Invitae), Labcorp).